The following is an entry in ClinVar:

NM_021072.4(HCN1):c.34A>G (p.Asn12Asp)

Gene: HCN1 (hyperpolarization activated cyclic nucleotide gated potassium channel 1; minus strand). Cytogenetic location: 5p12.
Variant type: single nucleotide variant.
Coding change: c.34A>G on transcript NM_021072.4 (MANE Select); coding-DNA position 34, A replaced by G.
Protein change: p.Asn12Asp; replaces asparagine 12 with aspartic acid.
Molecular consequence: missense variant.
Genome position (GRCh38, 1-based): chr5:45,696,060, T>C on the plus strand (A>G on the coding strand, the complement: HCN1 is on the minus strand). VCF-style: chr5-45696060-T-C. GRCh37 (hg19) VCF-style: chr5-45696162-T-C.
Other names: short protein forms N12D.
Identifiers: ClinVar variation 3632269 (VCV003632269.2).

ClinVar aggregate classification (germline): Uncertain significance (1 of 4 stars; one submission).

Conditions:
Early-infantile DEE. Also called: Early infantile epileptic encephalopathy with suppression bursts; Early infantile epileptic encephalopathy; Ohtahara syndrome. Identifiers: Orphanet 1934, MedGen C0393706, MONDO:0800491.

gnomAD v4.1: 2 of 1,355,460 alleles (0.00015%); highest among the groups gnomAD compares: South Asian, 0.0015%; no homozygotes.

Submission:

Labcorp Genetics (formerly Invitae), Labcorp
Classification: Uncertain significance for Early-infantile DEE. Last evaluated: 2024-11-21. Review status: criteria provided, single submitter. Criteria: Invitae Variant Classification Sherloc (09022015). Collection method: clinical testing. Allele origin: germline.
Comment: This sequence change replaces asparagine, which is neutral and polar, with aspartic acid, which is acidic and polar, at codon 12 of the HCN1 protein (p.Asn12Asp). This variant is not present in population databases (gnomAD no frequency). This variant has not been reported in the literature in individuals affected with HCN1-related conditions. Invitae Evidence Modeling of protein sequence and biophysical properties (such as structural, functional, and spatial information, amino acid conservation, physicochemical variation, residue mobility, and thermodynamic stability) indicates that this missense variant is not expected to disrupt HCN1 protein function with a negative predictive value of 95%. In summary, the available evidence is currently insufficient to determine the role of this variant in disease. Therefore, it has been classified as a Variant of Uncertain Significance.